The following is an entry in ClinVar:

ClinVar aggregate classification (germline): Uncertain significance (1 of 4 stars; one submission).

Conditions:
Congenital prothrombin deficiency. Also called: HYPOPROTHROMBINEMIA; Factor II deficiency; Hereditary factor II deficiency disease; Inherited hypoprothrombinemia; Congenital factor II deficiency; Inherited prothrombin deficiency. Identifiers: Orphanet 325, MedGen C0272317, MONDO:0013361, OMIM 613679.

Submission:

Labcorp Genetics (formerly Invitae), Labcorp
Classification: Uncertain significance for Congenital prothrombin deficiency. Last evaluated: 2024-03-16. Review status: criteria provided, single submitter. Criteria: Invitae Variant Classification Sherloc (09022015). Collection method: clinical testing. Allele origin: germline.
Comment: This sequence change replaces lysine, which is basic and polar, with threonine, which is neutral and polar, at codon 440 of the F2 protein (p.Lys440Thr). This variant is not present in population databases (gnomAD no frequency). This variant has not been reported in the literature in individuals affected with F2-related conditions. Advanced modeling of protein sequence and biophysical properties (such as structural, functional, and spatial information, amino acid conservation, physicochemical variation, residue mobility, and thermodynamic stability) performed at Invitae indicates that this missense variant is expected to disrupt F2 protein function with a positive predictive value of 80%. In summary, the available evidence is currently insufficient to determine the role of this variant in disease. Therefore, it has been classified as a Variant of Uncertain Significance.

NM_000506.5(F2):c.1319A>C (p.Lys440Thr)

Gene: F2 (coagulation factor II, thrombin; plus strand). Cytogenetic location: 11p11.2.
Variant type: single nucleotide variant.
Coding change: c.1319A>C on transcript NM_000506.5 (MANE Select); coding-DNA position 1319, A replaced by C.
Protein change: p.Lys440Thr; replaces lysine 440 with threonine.
Molecular consequence: missense variant.
Genome position (GRCh38, 1-based): chr11:46,728,684, A>C. VCF-style: chr11-46728684-A-C. GRCh37 (hg19) VCF-style: chr11-46750234-A-C.
Other names: short protein forms K440T.
Identifiers: ClinVar variation 3646427 (VCV003646427.2).